The following is an entry in ClinVar:

NM_000238.4(KCNH2):c.2892C>T (p.Pro964=)

Gene: KCNH2 (potassium voltage-gated channel subfamily H member 2; minus strand). Cytogenetic location: 7q36.1.
Variant type: single nucleotide variant.
Coding change: c.2892C>T on transcript NM_000238.4 (MANE Select); coding-DNA position 2892, C replaced by T.
Protein change: p.Pro964=; no amino-acid change (proline 964 retained).
Molecular consequence: synonymous variant.
Genome position (GRCh38, 1-based): chr7:150,947,679, G>A on the plus strand (C>T on the coding strand, the complement: KCNH2 is on the minus strand). VCF-style: chr7-150947679-G-A. GRCh37 (hg19) VCF-style: chr7-150644767-G-A.
Other names: c.1872C>T, p.Pro624= (NM_172057.3).
Identifiers: ClinVar variation 682090 (VCV000682090.18), dbSNP rs769972412, ClinGen allele CA035253.

ClinVar aggregate classification (germline): Likely benign. Review status: criteria provided, multiple submitters, no conflicts (2 of 4 stars). 6 submissions from 6 submitters: Likely benign (6). Last evaluated 2025-07-27.

Conditions:
Cardiovascular phenotype. Identifiers: MedGen CN230736.
Cardiac arrhythmia. Also called: Cardiac rhythm disease; Arrhythmia. Identifiers: MedGen C0003811, MONDO:0007263, HP:0011675.
Long QT syndrome (LQTS). Identifiers: MedGen C0023976, MeSH D008133, MONDO:0002442. Disease mechanism: loss of function. Inheritance: Various modes of inheritance.

Allele frequency attached by ClinVar (database versions not stated): gnomAD 0.00003; TOPMed 0.00006.
gnomAD v4.1: 44 of 1,601,454 alleles (0.0027%); highest among the groups gnomAD compares: Admixed American, 0.0034%; no homozygotes.

Submissions (6):

Labcorp Genetics (formerly Invitae), Labcorp
Classification: Likely benign for Long QT syndrome. Last evaluated: 2025-07-27. Review status: criteria provided, single submitter. Criteria: Invitae Variant Classification Sherloc (09022015). Collection method: clinical testing. Allele origin: germline.

All of Us Research Program, National Institutes of Health
Classification: Likely benign for Long QT syndrome. Last evaluated: 2024-01-08. Review status: criteria provided, single submitter. Criteria: ACMG Guidelines, 2015. Collection method: clinical testing. Allele origin: germline. Inheritance: Autosomal dominant inheritance. Observed: 3 variant alleles, 3 heterozygotes.
Comment: This study involves interpretation of variants in research participants for the purpose of population health screening. Participant phenotype was not available at the time of variant classification. Additional details can be found in publication PMID: 35346344, PMCID: PMC8962531

Blueprint Genetics
Classification: Likely benign. Last evaluated: 2020-11-27. Review status: criteria provided, single submitter. Criteria: ACMG Guidelines, 2015. Collection method: clinical testing. Allele origin: germline.

Color Diagnostics, LLC DBA Color Health
Classification: Likely benign for Cardiac arrhythmia. Last evaluated: 2020-09-14. Review status: criteria provided, single submitter. Criteria: ACMG Guidelines, 2015. Collection method: clinical testing. Allele origin: germline.

Ambry Genetics
Classification: Likely benign for Cardiovascular phenotype. Last evaluated: 2020-08-25. Review status: criteria provided, single submitter. Criteria: Ambry Variant Classification Scheme 2023. Collection method: clinical testing. Allele origin: germline.

GeneDx
Classification: Likely benign. Last evaluated: 2018-04-18. Review status: criteria provided, single submitter. Criteria: GeneDx Variant Classification (06012015). Collection method: clinical testing. Allele origin: germline. Affected: yes.
Comment: This variant is considered likely benign or benign based on one or more of the following criteria: it is a conservative change, it occurs at a poorly conserved position in the protein, it is predicted to be benign by multiple in silico algorithms, and/or has population frequency not consistent with disease.